The following is an entry in ClinVar:

NM_080680.3(COL11A2):c.587T>C (p.Leu196Pro)

Gene: COL11A2 (collagen type XI alpha 2 chain; minus strand). Cytogenetic location: 6p21.32.
Variant type: single nucleotide variant.
Coding change: c.587T>C on transcript NM_080680.3 (MANE Select); coding-DNA position 587, T replaced by C.
Protein change: p.Leu196Pro; replaces leucine 196 with proline.
Molecular consequence: missense variant.
Genome position (GRCh38, 1-based): chr6:33,188,381, A>G on the plus strand (T>C on the coding strand, the complement: COL11A2 is on the minus strand). VCF-style: chr6-33188381-A-G. GRCh37 (hg19) VCF-style: chr6-33156158-A-G.
Other names: c.587T>C, p.Leu196Pro (NM_001163771.2, NM_080679.3, NM_080681.3); short protein forms L196P.
Identifiers: ClinVar variation 451783 (VCV000451783.33), dbSNP rs150982987, ClinGen allele CA3751631.

ClinVar aggregate classification (germline): Conflicting classifications of pathogenicity. Review status: criteria provided, conflicting classifications (1 of 4 stars). 6 submissions from 6 submitters: Uncertain significance (4); Likely benign (1). 1 of the submissions does not count toward it. Last evaluated 2026-01-28.

Conditions:
Otospondylomegaepiphyseal dysplasia, autosomal dominant (OSMEDA). Also called: Pierre Robin syndrome with fetal chondrodysplasia; Stickler syndrome, type 3; COL11A2-Related Stickler Syndrome. Identifiers: Orphanet 166100, Orphanet 3450, MedGen C1848488, MONDO:0008490, OMIM 184840.
COL11A2-related disorder. Also called: COL11A2-related condition; COL11A2-related disorders.

Allele frequency attached by ClinVar (database versions not stated): gnomAD 0.00004; gnomAD exomes 0.00005 and 0.00011; TOPMed 0.00005; ExAC 0.00008; ESP Exome Variant Server 0.00024.
gnomAD v4.1: 165 of 1,612,970 alleles (0.01%); highest among the groups gnomAD compares: Non-Finnish European, 0.013%; no homozygotes.

Submissions (6):

Labcorp Genetics (formerly Invitae), Labcorp
Classification: Likely benign. Last evaluated: 2026-01-28. Review status: criteria provided, single submitter. Criteria: Invitae Variant Classification Sherloc (09022015). Collection method: clinical testing. Allele origin: germline.

Blueprint Genetics
Classification: Uncertain significance. Last evaluated: 2024-08-28. Review status: criteria provided, single submitter. Criteria: ACMG Guidelines, 2015. Collection method: clinical testing. Allele origin: germline.

CeGaT Center for Human Genetics Tuebingen
Classification: Uncertain significance. Last evaluated: 2024-06-01. Review status: criteria provided, single submitter. Criteria: CeGaT Center For Human Genetics Tuebingen Variant Classification Criteria Version 2. Collection method: clinical testing. Allele origin: germline. Affected: yes. Observed: 1 variant allele.
Comment: COL11A2: PM2

GeneDx
Classification: Uncertain significance. Last evaluated: 2019-03-28. Review status: criteria provided, single submitter. Criteria: GeneDx Variant Classification Process June 2021. Collection method: clinical testing. Allele origin: germline. Affected: yes.
Comment: In silico analysis, which includes protein predictors and evolutionary conservation, supports a deleterious effect; Reported in ClinVar as a variant of uncertain significance (ClinVar Variant ID 451783; Landrum et al., 2016); Has not been previously published as pathogenic or benign to our knowledge; This variant is associated with the following publications: (PMID: 25633957)

Geisinger Autism and Developmental Medicine Institute, Geisinger Health System
Classification: Uncertain significance for Otospondylomegaepiphyseal dysplasia, autosomal dominant. Last evaluated: 2017-10-03. Review status: criteria provided, single submitter. Criteria: ACMG Guidelines, 2015. Collection method: provider interpretation, clinical testing. Allele origin: unknown. Observed: 1 variant allele.
Comment: Dysmorphic facial features include midface depression, prominent forehead, low set and posteriorly rotated ears, and micrognathia. This variant is present in gnomAD, occurring at 0.0097% in European non-Finnish. Computational models predict that this variant is probably damaging. The inheritance of the p.L196P variant is unknown.

PreventionGenetics, part of Exact Sciences
Classification: Uncertain significance for COL11A2-related condition. Last evaluated: 2023-10-18. Review status: no assertion criteria provided. Collection method: clinical testing. Allele origin: germline. Not counted in ClinVar's aggregate classification.
Comment: The COL11A2 c.587T>C variant is predicted to result in the amino acid substitution p.Leu196Pro. To our knowledge, this variant has not been reported in the literature. This variant is reported in 0.011% of alleles in individuals of European (Non-Finnish) descent in gnomAD. At this time, the clinical significance of this variant is uncertain due to the absence of conclusive functional and genetic evidence.

Literature cited by the submitters: PubMed 25633957 (cited by Geisinger Autism and Developmental Medicine Institute, Geisinger Health System).